The following is an entry in ClinVar:

NM_001164508.2(NEB):c.19923T>G (p.His6641Gln)

Gene: NEB (nebulin; minus strand). Cytogenetic location: 2q23.3.
Variant type: single nucleotide variant.
Coding change: c.19923T>G on transcript NM_001164508.2 (MANE Select); coding-DNA position 19923, T replaced by G.
Protein change: p.His6641Gln; replaces histidine 6641 with glutamine.
Molecular consequence: missense variant.
Genome position (GRCh38, 1-based): chr2:151,551,759, A>C on the plus strand (T>G on the coding strand, the complement: NEB is on the minus strand). VCF-style: chr2-151551759-A-C. GRCh37 (hg19) VCF-style: chr2-152408273-A-C.
Other names: c.19923T>G, p.His6641Gln (NM_001164507.2, NM_001271208.2); c.14820T>G, p.His4940Gln (NM_004543.5); short protein forms H4940Q, H6641Q.
Identifiers: ClinVar variation 1386758 (VCV001386758.5), dbSNP rs773870323, ClinGen allele CA57646708.

ClinVar aggregate classification (germline): Uncertain significance (1 of 4 stars; one submission).

Conditions:
Nemaline myopathy 2 (NEM2). Also called: Nemaline myopathy 2, autosomal recessive. Identifiers: MedGen C1850569, MONDO:0009725, OMIM 256030.

gnomAD v4.1: 14 of 1,613,500 alleles (0.00087%); highest among the groups gnomAD compares: Admixed American, 0.0017%; no homozygotes.

Submission:

Labcorp Genetics (formerly Invitae), Labcorp
Classification: Uncertain significance for Nemaline myopathy 2. Last evaluated: 2022-07-25. Review status: criteria provided, single submitter. Criteria: Invitae Variant Classification Sherloc (09022015). Collection method: clinical testing. Allele origin: germline.
Comment: This sequence change replaces histidine, which is basic and polar, with glutamine, which is neutral and polar, at codon 6641 of the NEB protein (p.His6641Gln). This variant is present in population databases (no rsID available, gnomAD 0.003%). This variant has not been reported in the literature in individuals affected with NEB-related conditions. ClinVar contains an entry for this variant (Variation ID: 1386758). Algorithms developed to predict the effect of missense changes on protein structure and function are either unavailable or do not agree on the potential impact of this missense change (SIFT: "Deleterious"; PolyPhen-2: "Not Available"; Align-GVGD: "Class C0"). Algorithms developed to predict the effect of sequence changes on RNA splicing suggest that this variant may create or strengthen a splice site. In summary, the available evidence is currently insufficient to determine the role of this variant in disease. Therefore, it has been classified as a Variant of Uncertain Significance.